The following is an entry in ClinVar:

ClinVar aggregate classification (germline): Uncertain significance. Review status: criteria provided, multiple submitters, no conflicts (2 of 4 stars). 2 submissions from 2 submitters: Uncertain significance (2). Last evaluated 2026-03-30.

Conditions:
Inborn genetic diseases. Identifiers: MedGen C0950123, MeSH D030342.

Allele frequency attached by ClinVar (database versions not stated): TOPMed below 0.00001.

Submissions (2):

GeneDx
Classification: Uncertain significance. Last evaluated: 2026-03-30. Review status: criteria provided, single submitter. Criteria: GeneDx Variant Classification Process June 2021. Collection method: clinical testing. Allele origin: germline.
Comment: Not observed at significant frequency in large population cohorts (gnomAD); In silico analysis suggests that this missense variant does not alter protein structure/function; Has not been previously published as pathogenic or benign to our knowledge.

Ambry Genetics
Classification: Uncertain significance for Inborn genetic diseases. Last evaluated: 2025-02-27. Review status: criteria provided, single submitter. Criteria: Ambry Variant Classification Scheme 2023. Collection method: clinical testing. Allele origin: germline.
Comment: The p.A75V variant (also known as c.224C>T), located in coding exon 1 of the KDM1A gene, results from a C to T substitution at nucleotide position 224. The alanine at codon 75 is replaced by valine, an amino acid with similar properties. This amino acid position is conserved. In addition, this alteration is predicted to be tolerated by in silico analysis. Based on the available evidence, the clinical significance of this variant remains unclear.

NM_001009999.3(KDM1A):c.224C>T (p.Ala75Val)

Gene: KDM1A (lysine demethylase 1A; plus strand). Cytogenetic location: 1p36.12.
Variant type: single nucleotide variant.
Coding change: c.224C>T on transcript NM_001009999.3 (MANE Select); coding-DNA position 224, C replaced by T.
Protein change: p.Ala75Val; replaces alanine 75 with valine.
Molecular consequence: missense variant.
Genome position (GRCh38, 1-based): chr1:23,019,820, C>T. VCF-style: chr1-23019820-C-T. GRCh37 (hg19) VCF-style: chr1-23346313-C-T.
Other names: c.224C>T, p.Ala75Val (NM_001363654.2, NM_001410762.1, NM_001410763.1 and 1 more transcripts); short protein forms A75V.
Identifiers: ClinVar variation 2497969 (VCV002497969.3), dbSNP rs1641556971, ClinGen allele CA338951720.